The following is an entry in ClinVar:

ClinVar aggregate classification (germline): Uncertain significance (1 of 4 stars; one submission).

Conditions:
Cardiomyopathy (CMYO). Also called: Cardiomyopathies. Identifiers: Orphanet 167848, MedGen C0878544, MONDO:0004994, HP:0001638. Inheritance: Various modes of inheritance.

Submission:

Color Diagnostics, LLC DBA Color Health
Classification: Uncertain significance for Cardiomyopathy. Last evaluated: 2024-04-30. Review status: criteria provided, single submitter. Criteria: ACMG Guidelines, 2015. Collection method: clinical testing. Allele origin: germline.
Comment: This missense variant replaces valine with glycine at codon 379 of the RYR2 protein. Computational prediction suggests that this variant may not impact protein structure and function (internally defined REVEL score threshold <= 0.5, PMID: 27666373). To our knowledge, functional studies have not been reported for this variant. This variant has not been reported in individuals affected with RYR2-related disorders in the literature. This variant has not been identified in the general population by the Genome Aggregation Database (gnomAD). The available evidence is insufficient to determine the role of this variant in disease conclusively. Therefore, this variant is classified as a Variant of Uncertain Significance.

NM_001035.3(RYR2):c.1136T>G (p.Val379Gly)

Gene: RYR2 (ryanodine receptor 2; plus strand). Cytogenetic location: 1q43.
Variant type: single nucleotide variant.
Coding change: c.1136T>G on transcript NM_001035.3 (MANE Select); coding-DNA position 1136, T replaced by G.
Protein change: p.Val379Gly; replaces valine 379 with glycine.
Molecular consequence: missense variant.
Genome position (GRCh38, 1-based): chr1:237,441,449, T>G. VCF-style: chr1-237441449-T-G. GRCh37 (hg19) VCF-style: chr1-237604749-T-G.
Other names: short protein forms V379G.
Identifiers: ClinVar variation 3893776 (VCV003893776.1).
Genomic context (GRCh38, chr1:237,441,449, plus strand): 5'-CAGTATGCTATATACAACATGTAGACACAGGCCTATGGCTTACTTACCAGTCTGTGGACG[T>G]GAAATCCGTGAGAATGGGATCTATACAACGTAAGGTAAGGTGATAGAAAAAAACATAATT-3'
Protein context (NP_001026.2, residues 369-389): GLWLTYQSVD[Val379Gly]KSVRMGSIQR